The following is an entry in ClinVar:

ClinVar aggregate classification (germline): Uncertain significance (1 of 4 stars; one submission).

Allele frequency attached by ClinVar (database versions not stated): TOPMed 0.00001; gnomAD 0.00001; ExAC 0.00002.

Submission:

Labcorp Genetics (formerly Invitae), Labcorp
Classification: Uncertain significance. Last evaluated: 2026-01-20. Review status: criteria provided, single submitter. Criteria: Invitae Variant Classification Sherloc (09022015). Collection method: clinical testing. Allele origin: germline.
Comment: This sequence change replaces isoleucine, which is neutral and non-polar, with serine, which is neutral and polar, at codon 441 of the SIAE protein (p.Ile441Ser). This variant is present in population databases (rs755230410, gnomAD 0.003%). This variant has not been reported in the literature in individuals affected with SIAE-related conditions. ClinVar contains an entry for this variant (Variation ID: 2733038). An algorithm developed to predict the effect of missense changes on protein structure and function (PolyPhen-2) suggests that this variant is likely to be tolerated. In summary, the available evidence is currently insufficient to determine the role of this variant in disease. Therefore, it has been classified as a Variant of Uncertain Significance.

NM_170601.5(SIAE):c.1322T>G (p.Ile441Ser)

Gene: SIAE (sialic acid acetylesterase; minus strand). Cytogenetic location: 11q24.2.
Variant type: single nucleotide variant.
Coding change: c.1322T>G on transcript NM_170601.5 (MANE Select); coding-DNA position 1322, T replaced by G.
Protein change: p.Ile441Ser; replaces isoleucine 441 with serine.
Molecular consequence: missense variant.
Genome position (GRCh38, 1-based): chr11:124,637,201, A>C on the plus strand (T>G on the coding strand, the complement: SIAE is on the minus strand). VCF-style: chr11-124637201-A-C. GRCh37 (hg19) VCF-style: chr11-124507097-A-C.
Other names: c.1217T>G, p.Ile406Ser (NM_001199922.2); short protein forms I406S, I441S.
Identifiers: ClinVar variation 2733038 (VCV002733038.3), dbSNP rs755230410, ClinGen allele CA6341201.